The following is an entry in ClinVar:

ClinVar aggregate classification (germline): Uncertain significance (1 of 4 stars; one submission).

Conditions:
Familial intrahepatic cholestasis. Identifiers: Orphanet 284385, MedGen CN296401, MONDO:0017290.

Submission:

Genomenon, Inc
Classification: Uncertain significance for Familial intrahepatic cholestasis. Last evaluated: 2026-04-14. Review status: criteria provided, single submitter. Criteria: Genomenon Sequence Variant Interpretation Standards - Updated. Collection method: curation. Allele origin: germline. Affected: no.
Comment: ATP8B1 p.Lys845Arg (c.2534A>G) is a missense variant that changes the amino acid at residue 845 from Lysine to Arginine. This variant has been reported in the published literature (PMID:36046230). It is absent or not present at a significant frequency in gnomAD. In silico models predict that this variant is not damaging. In conclusion, we classify ATP8B1 p.Lys845Arg (c.2534A>G) as a variant of uncertain significance.

Literature cited by the submitters: PubMed 36046230.

NM_001374385.1(ATP8B1):c.2534A>G (p.Lys845Arg)

Genes: ATP8B1 (ATPase phospholipid transporting 8B1; minus strand), ATP8B1-AS1 (ATP8B1 antisense RNA 1; plus strand). Cytogenetic location: 18q21.31.
Variant type: single nucleotide variant.
Coding change: c.2534A>G on transcript NM_001374385.1 (MANE Select); coding-DNA position 2534, A replaced by G.
Protein change: p.Lys845Arg; replaces lysine 845 with arginine.
Molecular consequence: missense variant.
Genome position (GRCh38, 1-based): chr18:57,661,347, T>C on the plus strand (A>G on the coding strand, the complement: ATP8B1 is on the minus strand). VCF-style: chr18-57661347-T-C. GRCh37 (hg19) VCF-style: chr18-55328579-T-C.
Other names: c.2384A>G, p.Lys795Arg (NM_001374386.1); c.2534A>G, p.Lys845Arg (NM_005603.6); short protein forms K795R, K845R.
Identifiers: ClinVar variation 4846243 (VCV004846243.1).
Genomic context (GRCh38, chr18:57,661,347, plus strand): 5'-CAGATGACTGCGCTGCACTCGCAGGCCAGGTCCACAAAGTTTTTCTGCCGCTGCTCTTTC[T>C]TAGCTTCTAGCCTCCTTTTACTTTGGGTCCGCATCCGTCTTTCTTCTTCTGTTCTTGGGA-3'
Protein context (NP_001361314.1, residues 835-855): RTQSKRRLEA[Lys845Arg]KEQRQKNFVD